The following is an entry in ClinVar:

NM_025150.5(TARS2):c.1207G>A (p.Ala403Thr)

Gene: TARS2 (threonyl-tRNA synthetase 2, mitochondrial; plus strand). Cytogenetic location: 1q21.2.
Variant type: single nucleotide variant.
Coding change: c.1207G>A on transcript NM_025150.5 (MANE Select); coding-DNA position 1207, G replaced by A.
Protein change: p.Ala403Thr; replaces alanine 403 with threonine.
Molecular consequence: missense variant. On other transcripts: non-coding transcript variant (2).
Genome position (GRCh38, 1-based): chr1:150,497,716, G>A. VCF-style: chr1-150497716-G-A. GRCh37 (hg19) VCF-style: chr1-150470192-G-A.
Other names: c.961G>A, p.Ala321Thr (NM_001271895.2); c.817G>A, p.Ala273Thr (NM_001271896.2); short protein forms A273T, A321T, A403T.
Identifiers: ClinVar variation 1034091 (VCV001034091.1), dbSNP rs587685186, ClinGen allele CA1076942.

ClinVar aggregate classification (germline): Uncertain significance (1 of 4 stars; one submission).

Conditions:
Combined oxidative phosphorylation defect type 21. Also called: Combined oxidative phosphorylation deficiency 21. Identifiers: Orphanet 420733, MedGen C4706316, MONDO:0014398, OMIM 615918.

Allele frequency attached by ClinVar (database versions not stated): gnomAD exomes 0.00001; gnomAD 0.00002 and 0.00003; TOPMed 0.00002; ExAC 0.00003; 1000 Genomes Project 30x 0.00016; 1000 Genomes Project 0.00020.
gnomAD v4.1: 18 of 1,613,924 alleles (0.0011%); highest among the groups gnomAD compares: Non-Finnish European, 0.0014%; no homozygotes.

Submission:

Baylor Genetics
Classification: Uncertain significance for Combined oxidative phosphorylation defect type 21. Last evaluated: 2018-02-13. Review status: criteria provided, single submitter. Criteria: ACMG Guidelines, 2015. Collection method: clinical testing. Allele origin: paternal. Affected: yes.
Comment: This variant was determined to be of uncertain significance according to ACMG Guidelines, 2015 [PMID:25741868].